The following is an entry in ClinVar:

ClinVar aggregate classification (germline): Conflicting classifications of pathogenicity. Review status: criteria provided, conflicting classifications (1 of 4 stars). 4 submissions from 4 submitters: Uncertain significance (1); Benign (1); Likely benign (2). Last evaluated 2025-11-09.

Conditions:
Autosomal dominant nonsyndromic hearing loss 5. Identifiers: Orphanet 90635, MedGen C1832932, MONDO:0010973, OMIM 600994.

Allele frequency attached by ClinVar (database versions not stated): gnomAD exomes 0.00010 and 0.00021; TOPMed 0.00013; gnomAD 0.00015 and 0.00016; ExAC 0.00017; ESP Exome Variant Server 0.00031.
gnomAD v4.1: 185 of 1,614,028 alleles (0.011%); highest among the groups gnomAD compares: Non-Finnish European, 0.0026%; 1 homozygote.

Submissions (4):

Labcorp Genetics (formerly Invitae), Labcorp
Classification: Benign. Last evaluated: 2025-11-09. Review status: criteria provided, single submitter. Criteria: Invitae Variant Classification Sherloc (09022015). Collection method: clinical testing. Allele origin: germline.

Blueprint Genetics
Classification: Likely benign. Last evaluated: 2024-10-18. Review status: criteria provided, single submitter. Criteria: ACMG Guidelines, 2015. Collection method: clinical testing. Allele origin: germline.

Illumina Laboratory Services, Illumina
Classification: Uncertain significance for Autosomal dominant nonsyndromic hearing loss 5. Last evaluated: 2018-01-12. Review status: criteria provided, single submitter. Criteria: ICSL Variant Classification Criteria 13 December 2019. Collection method: clinical testing. Allele origin: germline.

Laboratory for Molecular Medicine, Mass General Brigham Personalized Medicine
Classification: Likely benign. Last evaluated: 2015-02-19. Review status: criteria provided, single submitter. Criteria: LMM Criteria. Collection method: clinical testing. Allele origin: germline. Observed: 1 variant allele.
Comment: p.Asp312Asn in exon 7 of DFNA5: This variant is not expected to have clinical si gnificance due to a lack of conservation across species, including mammals. Of n ote, more than 10 mammals have an asparagine (Asn) at this position despite high nearby amino acid conservation. In addition, computational prediction tools do not suggest a high likelihood of impact to the protein. It has also been identif ied in 18/66664 European chromosomes by the Exome Aggregation Consortium (ExAC; dbSNP rs148716975).

NM_001127453.2(GSDME):c.934G>A (p.Asp312Asn)

Gene: GSDME (gasdermin E; minus strand). Cytogenetic location: 7p15.3.
Variant type: single nucleotide variant.
Coding change: c.934G>A on transcript NM_001127453.2 (MANE Select); coding-DNA position 934, G replaced by A.
Protein change: p.Asp312Asn; replaces aspartic acid 312 with asparagine.
Molecular consequence: missense variant.
Genome position (GRCh38, 1-based): chr7:24,708,183, C>T on the plus strand (G>A on the coding strand, the complement: GSDME is on the minus strand). VCF-style: chr7-24708183-C-T. GRCh37 (hg19) VCF-style: chr7-24747802-C-T.
Other names: c.442G>A, p.Asp148Asn (NM_001127454.2); c.934G>A, p.Asp312Asn (NM_004403.3); short protein forms D312N, D148N.
Identifiers: ClinVar variation 227286 (VCV000227286.13), dbSNP rs148716975, ClinGen allele CA4191499.
Genomic context (GRCh38, chr7:24,708,183, plus strand): 5'-TCACCACTGGTTCCAGGACCATGAGTAGTTCATCATCAAATAGGACCGCCTGGAAGATGT[C>T]ACTCAAAGCTGTCTGTTGTGGCTCAGGCAGCTCCGCAAATGGATGGAAATTCCTCTCCAG-3'
Protein context (NP_001120925.1, residues 302-322): LPEPQQTALS[Asp312Asn]IFQAVLFDDE